The following is an entry in ClinVar:

ClinVar aggregate classification (germline): Uncertain significance. Review status: criteria provided, multiple submitters, no conflicts (2 of 4 stars). 2 submissions from 2 submitters: Uncertain significance (2). Last evaluated 2025-05-05.

Conditions:
Erythrocytosis, familial, 3 (ECYT3). Identifiers: Orphanet 247511, MedGen C1853286, MONDO:0012353, OMIM 609820.

Allele frequency attached by ClinVar (database versions not stated): gnomAD exomes below 0.00001.

Submissions (2):

Ambry Genetics
Classification: Uncertain significance. Last evaluated: 2025-05-05. Review status: criteria provided, single submitter. Criteria: Ambry Variant Classification Scheme 2023. Collection method: clinical testing. Allele origin: germline.
Comment: The p.Y290C variant (also known as c.869A>G), located in coding exon 1 of the EGLN1 gene, results from an A to G substitution at nucleotide position 869. The tyrosine at codon 290 is replaced by cysteine, an amino acid with highly dissimilar properties. This amino acid position is highly conserved in available vertebrate species. In addition, the in silico prediction for this alteration is inconclusive. Since supporting evidence is limited at this time, the clinical significance of this alteration remains unclear.

Labcorp Genetics (formerly Invitae), Labcorp
Classification: Uncertain significance for Erythrocytosis, familial, 3. Last evaluated: 2025-04-29. Review status: criteria provided, single submitter. Criteria: Invitae Variant Classification Sherloc (09022015). Collection method: clinical testing. Allele origin: germline.
Comment: This sequence change replaces tyrosine, which is neutral and polar, with cysteine, which is neutral and slightly polar, at codon 290 of the EGLN1 protein (p.Tyr290Cys). This variant is not present in population databases (gnomAD no frequency). This variant has not been reported in the literature in individuals affected with EGLN1-related conditions. ClinVar contains an entry for this variant (Variation ID: 1764331). An algorithm developed to predict the effect of missense changes on protein structure and function (PolyPhen-2) suggests that this variant is likely to be tolerated. In summary, the available evidence is currently insufficient to determine the role of this variant in disease. Therefore, it has been classified as a Variant of Uncertain Significance.

NM_022051.3(EGLN1):c.869A>G (p.Tyr290Cys)

Genes: EGLN1 (egl-9 family hypoxia inducible factor 1; minus strand), LOC129932769 (ATAC-STARR-seq lymphoblastoid active region 2730; plus strand). Cytogenetic location: 1q42.2.
Variant type: single nucleotide variant.
Coding change: c.869A>G on transcript NM_022051.3 (MANE Select); coding-DNA position 869, A replaced by G.
Protein change: p.Tyr290Cys; replaces tyrosine 290 with cysteine.
Molecular consequence: missense variant.
Genome position (GRCh38, 1-based): chr1:231,421,020, T>C on the plus strand (A>G on the coding strand, the complement: EGLN1 is on the minus strand). VCF-style: chr1-231421020-T-C. GRCh37 (hg19) VCF-style: chr1-231556766-T-C.
Other names: c.869A>G, p.Tyr290Cys (NM_001377260.1, NM_001377261.1); short protein forms Y290C.
Identifiers: ClinVar variation 1764331 (VCV001764331.4), dbSNP rs2527358169, ClinGen allele CA345234865.
Genomic context (GRCh38, chr1:231,421,020, plus strand): 5'-AAGGGCCTGTCCAGCACAAACCCGCAGCACACACTTACTTTCGTCCGGCCATTGATTTTG[T>C]AGCTGCCCAGCTTCCCGTTACAGTGGCGTATCAGGTCGTCCATGCTGCTCATGAGCAGCC-3'
Protein context (NP_071334.1, residues 280-300): IRHCNGKLGS[Tyr290Cys]KINGRTKAMV